The following is an entry in ClinVar:

ClinVar aggregate classification (germline): Pathogenic/Likely pathogenic. Review status: criteria provided, multiple submitters, no conflicts (2 of 4 stars). 7 submissions from 7 submitters: Pathogenic (4); Likely pathogenic (3). Last evaluated 2025-11-17.

Conditions:
Aplastic anemia. Identifiers: Orphanet 182040, Orphanet 88, MedGen C0002874, MONDO:0015909, OMIM 609135, HP:0001915.
Familial hemophagocytic lymphohistiocytosis (FHL). Also called: Familial erythrophagocytic lymphohistiocytosis; Familial histiocytic reticulosis; Hereditary hemophagocytic lymphohistiocytosis. Identifiers: Orphanet 158038, Orphanet 540, MedGen C0272199, MONDO:0015541.
Familial hemophagocytic lymphohistiocytosis 2 (FHL2). Also called: PRF1-Related Familial Hemophagocytic Lymphohistiocytosis (PRF1-fHLH). Identifiers: Orphanet 540, MedGen C1863727, MONDO:0011337, OMIM 603553.

Allele frequency attached by ClinVar (database versions not stated): TOPMed 0.00005.
gnomAD v4.1: 20 of 1,612,202 alleles (0.0012%); highest among the groups gnomAD compares: Non-Finnish European, 0.0016%; no homozygotes.

Submissions (7):

3billion
Classification: Likely pathogenic for Familial hemophagocytic lymphohistiocytosis 2. Last evaluated: 2025-11-17. Review status: criteria provided, single submitter. Criteria: ACMG Guidelines, 2015. Collection method: clinical testing. Allele origin: germline. Affected: yes.
Comment: The variant is observed at an extremely low frequency in the gnomAD v4.1.0 dataset (total allele frequency: 0.001%). Predicted Consequence/Location: Missense variant Functional studies provide supporting evidence of the variant having a damaging effect on the gene or gene product (PMID: 15755897). In silico tool predictions suggest damaging effect of the variant on gene or gene product [REVEL: 0.70 (>=0.6, sensitivity 0.68 and specificity 0.92); 3Cnet: 0.25 (> 0.75, sensitivity 0.96 and precision 0.92)]. The same nucleotide change resulting in the same amino acid change has been previously reported as pathogenic/likely pathogenic with strong evidence (ClinVar ID: VCV000802584 /PMID: 11179007 /3billion dataset). A different missense change at the same codon (p.Val50Leu) has been reported to be associated with PRF1-related disorder (PMID: 27033761). Therefore, this variant is classified as Likely pathogenic according to the recommendation of ACMG/AMP guideline.

Mayo Clinic Laboratories, Mayo Clinic
Classification: Pathogenic. Last evaluated: 2024-02-14. Review status: criteria provided, single submitter. Criteria: ACMG Guidelines, 2015. Collection method: clinical testing. Allele origin: germline. Observed: 1 variant allele.
Comment: PM2, PM3_very_strong, PS3_supporting, PS4_moderate

Labcorp Genetics (formerly Invitae), Labcorp
Classification: Pathogenic for Familial hemophagocytic lymphohistiocytosis 2. Last evaluated: 2023-10-25. Review status: criteria provided, single submitter. Criteria: Invitae Variant Classification Sherloc (09022015). Collection method: clinical testing. Allele origin: germline.
Comment: This sequence change replaces valine, which is neutral and non-polar, with methionine, which is neutral and non-polar, at codon 50 of the PRF1 protein (p.Val50Met). This variant is not present in population databases (gnomAD no frequency). This missense change has been observed in individual(s) with hemophagocytic lymphohistiocytosis (PMID: 11179007, 14757862, 18190960). In at least one individual the data is consistent with being in trans (on the opposite chromosome) from a pathogenic variant. ClinVar contains an entry for this variant (Variation ID: 802584). Advanced modeling of protein sequence and biophysical properties (such as structural, functional, and spatial information, amino acid conservation, physicochemical variation, residue mobility, and thermodynamic stability) has been performed at Invitae for this missense variant, however the output from this modeling did not meet the statistical confidence thresholds required to predict the impact of this variant on PRF1 protein function. Experimental studies have shown that this missense change affects PRF1 function (PMID: 15755897, 16374518, 19487666). For these reasons, this variant has been classified as Pathogenic.

Women's Health and Genetics/Laboratory Corporation of America, LabCorp
Classification: Pathogenic for Familial hemophagocytic lymphohistiocytosis. Last evaluated: 2023-10-11. Review status: criteria provided, single submitter. Criteria: LabCorp Variant Classification Summary - May 2015. Collection method: clinical testing. Allele origin: germline.
Comment: Variant summary: PRF1 c.148G>A (p.Val50Met) results in a conservative amino acid change located in the membrane attack complex component/perforin (MACPF) domain (IPR020864) of the encoded protein sequence. Four of five in-silico tools predict a damaging effect of the variant on protein function. The variant was absent in 247726 control chromosomes (gnomAD). These data indicate that the variant is very likely to be associated with disease. The variant has also been reported in compound heterozygosity with a second pathogenic mutation in PRF1 in at least one individual who was not diagnosed with FHL, but experienced severe central nervous system/ neurological symptoms and was found to have imparied NK cell activity, suggesting an atypical disease presentation (Tesi_2015). Several publications report experimental evidence evaluating an impact on protein function. The most pronounced variant effect results in <10% of normal cytotoxic activity (e.g. Voskoboinik_2005, Risma_2006). The following publications have been ascertained in the context of this evaluation (PMID: 23592409, 29665027, 19487666, 11179007, 18710388, 14757862, 18190960, 16374518, 33746956, 23264592, 26184781, 17266056, 15755897, 24744671). Four submitters have cited clinical-significance assessments for this variant to ClinVar after 2014. All submitters classified the variant as pathogenic/likely pathogenic. Based on the evidence outlined above, the variant was classified as pathogenic.

Baylor Genetics
Classification: Pathogenic for Aplastic anemia. Last evaluated: 2020-03-20. Review status: criteria provided, single submitter. Criteria: ACMG Guidelines, 2015. Collection method: clinical testing. Allele origin: unknown. Affected: yes.
Comment: This variant was determined to be pathogenic according to ACMG Guidelines, 2015 [PMID:25741868]. Both variants have been previously reported as disease-causing [PMID: 15755897, 19487666, 23592409, 11179007, ClinVar ID: 802584 for c.148G>A (p.V50M); PMID: 21959744, 23073290, 23592409, 11756153, 19487666, 21881043, 27577878, 15755897, 24916509, ClinVar ID: 520942 for c.445G>A (p.G149S)]

GeneDx
Classification: Likely pathogenic. Last evaluated: 2020-03-03. Review status: criteria provided, single submitter. Criteria: GeneDx Variant Classification Process June 2021. Collection method: clinical testing. Allele origin: germline. Affected: yes.
Comment: Published functional studies demonstrate a damaging effect: impaired cytotoxic activity (Chia et al., 2009); Not observed in large population cohorts (Lek et al., 2016); This variant is associated with the following publications: (PMID: 33365035, 32986178, 31130284, 32194620, 11179007, 29665027, 26184781, 18190960, 24744671, 14757862, 23592409, 19487666, 15755897, 16374518, 17873118)

Mendelics
Classification: Likely pathogenic for Familial hemophagocytic lymphohistiocytosis 2. Last evaluated: 2019-05-28. Review status: criteria provided, single submitter. Criteria: Mendelics Assertion Criteria 2017. Collection method: clinical testing. Allele origin: unknown.

Literature cited by the submitters: PubMed 27033761 (cited by 3billion); PubMed 11179007 (cited by 5 submitters); PubMed 15755897 (cited by 5 submitters); PubMed 19487666 (cited by 4 submitters); PubMed 29665027 (cited by Mayo Clinic Laboratories, Mayo Clinic and Women's Health and Genetics/Laboratory Corporation of America, LabCorp); PubMed 31130284 (cited by Mayo Clinic Laboratories, Mayo Clinic); PubMed 32194620 (cited by Mayo Clinic Laboratories, Mayo Clinic); PubMed 32986178 (cited by Mayo Clinic Laboratories, Mayo Clinic); PubMed 33365035 (cited by Mayo Clinic Laboratories, Mayo Clinic); PubMed 33746956 (cited by Mayo Clinic Laboratories, Mayo Clinic and Women's Health and Genetics/Laboratory Corporation of America, LabCorp); PubMed 14757862 (cited by Labcorp Genetics (formerly Invitae), Labcorp and Women's Health and Genetics/Laboratory Corporation of America, LabCorp); PubMed 18190960 (cited by Labcorp Genetics (formerly Invitae), Labcorp and Women's Health and Genetics/Laboratory Corporation of America, LabCorp); PubMed 16374518 (cited by Labcorp Genetics (formerly Invitae), Labcorp and Women's Health and Genetics/Laboratory Corporation of America, LabCorp); PubMed 23592409 (cited by Women's Health and Genetics/Laboratory Corporation of America, LabCorp and Baylor Genetics); PubMed 18710388 (cited by Women's Health and Genetics/Laboratory Corporation of America, LabCorp); PubMed 23264592 (cited by Women's Health and Genetics/Laboratory Corporation of America, LabCorp); PubMed 26184781 (cited by Women's Health and Genetics/Laboratory Corporation of America, LabCorp); PubMed 17266056 (cited by Women's Health and Genetics/Laboratory Corporation of America, LabCorp); PubMed 24744671 (cited by Women's Health and Genetics/Laboratory Corporation of America, LabCorp); PubMed 21959744 (cited by Baylor Genetics); PubMed 23073290 (cited by Baylor Genetics); PubMed 11756153 (cited by Baylor Genetics); PubMed 21881043 (cited by Baylor Genetics); PubMed 27577878 (cited by Baylor Genetics); PubMed 24916509 (cited by Baylor Genetics).

NM_001083116.3(PRF1):c.148G>A (p.Val50Met)

Gene: PRF1 (perforin 1; minus strand). Cytogenetic location: 10q22.1.
Variant type: single nucleotide variant.
Coding change: c.148G>A on transcript NM_001083116.3 (MANE Select); coding-DNA position 148, G replaced by A.
Protein change: p.Val50Met; replaces valine 50 with methionine.
Molecular consequence: missense variant.
Genome position (GRCh38, 1-based): chr10:70,600,755, C>T on the plus strand (G>A on the coding strand, the complement: PRF1 is on the minus strand). VCF-style: chr10-70600755-C-T. GRCh37 (hg19) VCF-style: chr10-72360511-C-T.
Other names: p.Val50Met; c.148G>A, p.Val50Met (NM_005041.6); short protein forms V50M.
Identifiers: ClinVar variation 802584 (VCV000802584.20), dbSNP rs776299562, ClinGen allele CA376959992.